The following is an entry in ClinVar:

ClinVar aggregate classification (germline): Conflicting classifications of pathogenicity. Review status: criteria provided, conflicting classifications (1 of 4 stars). 3 submissions from 3 submitters: Likely pathogenic (1); Uncertain significance (1). 1 of the submissions does not count toward it. Last evaluated 2025-04-11.

Conditions:
MC4R-related disorder. Also called: MC4R-related condition.
Early onset severe obesity. Identifiers: MedGen C4013980.

gnomAD v4.1: 45 of 1,614,244 alleles (0.0028%); highest among the groups gnomAD compares: Non-Finnish European, 0.0036%; no homozygotes.

Submissions (3):

Cambridge Genomics Laboratory, East Genomic Laboratory Hub, NHS Genomic Medicine Service
Classification: Likely pathogenic for Severe early-onset obesity. Last evaluated: 2025-04-11. Review status: criteria provided, single submitter. Criteria: ACGS Best Practice Guidelines for Variant Classification in Rare Disease 2020. Collection method: clinical testing. Allele origin: germline. Affected: yes.
Comment: PS3,PM1_Supporting,PM2

Labcorp Genetics (formerly Invitae), Labcorp
Classification: Uncertain significance. Last evaluated: 2024-12-16. Review status: criteria provided, single submitter. Criteria: Invitae Variant Classification Sherloc (09022015). Collection method: clinical testing. Allele origin: germline.
Comment: This sequence change replaces isoleucine, which is neutral and non-polar, with threonine, which is neutral and polar, at codon 69 of the MC4R protein (p.Ile69Thr). This variant is present in population databases (rs751160202, gnomAD 0.006%). This missense change has been observed in individual(s) with obesity (PMID: 18801902, 32349990). Invitae Evidence Modeling of protein sequence and biophysical properties (such as structural, functional, and spatial information, amino acid conservation, physicochemical variation, residue mobility, and thermodynamic stability) indicates that this missense variant is not expected to disrupt MC4R protein function with a negative predictive value of 80%. Experimental studies have shown that this missense change affects MC4R function (PMID: 18801902, 20462274, 20826565, 25332687). In summary, the available evidence is currently insufficient to determine the role of this variant in disease. Therefore, it has been classified as a Variant of Uncertain Significance.

PreventionGenetics, part of Exact Sciences
Classification: Likely pathogenic for MC4R-related condition. Last evaluated: 2024-05-20. Review status: no assertion criteria provided. Collection method: clinical testing. Allele origin: germline. Not counted in ClinVar's aggregate classification.
Comment: The MC4R c.206T>C variant is predicted to result in the amino acid substitution p.Ile69Thr. This variant has been reported in the heterozygous and homozygous state in multiple individuals with early onset obesity (Tan et al. 2009. PubMed ID: 18801902; René et al. 2010. PubMed ID: 20826565; He et al. 2014. PubMed ID: 25332687; Saeed et al. 2020. PubMed ID: 32349990). Functional studies have shown that this variant causes significantly increased pERK1/2 levels, impaired cell surface trafficking, reduced level of binding ligand, and reduced ability to generate cAMP (Tan et al. 2009. PubMed ID: 18801902; René et al. 2010. PubMed ID: 20826565; Xiang et al. 2010. PubMed ID: 20462274; He et al. 2014. PubMed ID: 25332687). This variant is reported in 0.0054% of alleles in individuals of East Asian descent in gnomAD. This variant is interpreted as likely pathogenic.

Literature cited by the submitters: PubMed 18801902 (cited by Labcorp Genetics (formerly Invitae), Labcorp); PubMed 32349990 (cited by Labcorp Genetics (formerly Invitae), Labcorp); PubMed 20462274 (cited by Labcorp Genetics (formerly Invitae), Labcorp); PubMed 20826565 (cited by Labcorp Genetics (formerly Invitae), Labcorp); PubMed 25332687 (cited by Labcorp Genetics (formerly Invitae), Labcorp).

NM_005912.3(MC4R):c.206T>C (p.Ile69Thr)

Gene: MC4R (melanocortin 4 receptor; minus strand). Cytogenetic location: 18q21.32.
Variant type: single nucleotide variant.
Coding change: c.206T>C on transcript NM_005912.3 (MANE Select); coding-DNA position 206, T replaced by C.
Protein change: p.Ile69Thr; replaces isoleucine 69 with threonine.
Molecular consequence: missense variant.
Genome position (GRCh38, 1-based): chr18:60,372,144, A>G on the plus strand (T>C on the coding strand, the complement: MC4R is on the minus strand). VCF-style: chr18-60372144-A-G. GRCh37 (hg19) VCF-style: chr18-58039377-A-G.
Other names: short protein forms I69T.
Identifiers: ClinVar variation 3353693 (VCV003353693.4).